The following is an entry in ClinVar:

ClinVar aggregate classification (germline): Conflicting classifications of pathogenicity. Review status: criteria provided, conflicting classifications (1 of 4 stars). 13 submissions from 13 submitters: Uncertain significance (7); Likely benign (4). 2 of the submissions do not count toward it. Last evaluated 2026-03-20.

Conditions:
BRCA2-related cancer predisposition. Identifiers: MedGen CN377758, MONDO:0700269.
BRCA2-related disorder. Also called: BRCA2-related condition; BRCA2-related disorders. Identifiers: MedGen CN239275.
Hereditary cancer-predisposing syndrome. Also called: Hereditary Cancer Syndrome; Neoplastic Syndromes, Hereditary; Hereditary neoplastic syndrome; Tumor predisposition. Identifiers: Orphanet 140162, MedGen C0027672, MeSH D009386, MONDO:0015356.
Hereditary breast ovarian cancer syndrome. Also called: Hereditary breast and ovarian cancer syndrome; Breast and ovarian cancer; BRCA1- and BRCA2-Associated Hereditary Breast and Ovarian Cancer; Hereditary breast and/or ovarian cancer syndrome; Hereditary breast and ovarian cancer; Hereditary breast and ovarian cancer syndrome (HBOC). Identifiers: Orphanet 145, MedGen C0677776, MeSH D061325, MONDO:0003582. Disease mechanism: loss of function.
Breast-ovarian cancer, familial, susceptibility to, 2 (BROVCA2). Also called: BRCA2 Hereditary Breast and Ovarian Cancer. Identifiers: Orphanet 145, MedGen C2675520, MONDO:0012933, OMIM 612555. Disease mechanism: loss of function.

Allele frequency attached by ClinVar (database versions not stated): ExAC 0.00001; gnomAD exomes 0.00001 and 0.00002; gnomAD 0.00003 and 0.00004; TOPMed 0.00005.
gnomAD v4.1: 16 of 1,613,960 alleles (0.00099%); highest among the groups gnomAD compares: Admixed American, 0.022%; no homozygotes.

Submissions 1 to 7 of 13:

PreventionGenetics, part of Exact Sciences
Classification: Uncertain significance for BRCA2-related condition. Last evaluated: 2026-03-20. Review status: criteria provided, single submitter. Criteria: ACMG Guidelines, 2015. Collection method: clinical testing. Allele origin: germline.
Comment: The BRCA2 c.8036A>G variant is predicted to result in the amino acid substitution p.Asp2679Gly. This variant has been reported in two individuals in the Breast Cancer Information Core database (Szabo et al. 2000. PubMed ID: 10923033) and in an individual with ovarian cancer (Barbosa et al. 2020. PubMed ID: 33008098). Using functional and computational approaches this variant was reported to be benign (Guidugli et al. 2018. PubMed ID: 29394989). In vitro experimental studies indicate this variant does not impact homology-directed DNA repair activity (Guidugli et al. 2012. PubMed ID: 23108138;). This variant is reported in 0.017% of alleles in individuals of Latino descent in gnomAD and has conflicting interpretations of likely benign and uncertain significance in ClinVar (Variation ID: 52481). Although we suspect this variant is benign, at this time, the clinical significance of this variant is uncertain due to the absence of conclusive functional and genetic evidence.

Labcorp Genetics (formerly Invitae), Labcorp
Classification: Uncertain significance for Hereditary breast ovarian cancer syndrome. Last evaluated: 2026-02-03. Review status: criteria provided, single submitter. Criteria: Invitae Variant Classification Sherloc (09022015). Collection method: clinical testing. Allele origin: germline.
Comment: This sequence change replaces aspartic acid, which is acidic and polar, with glycine, which is neutral and non-polar, at codon 2679 of the BRCA2 protein (p.Asp2679Gly). This variant is present in population databases (rs80359041, gnomAD 0.02%). This missense change has been observed in individual(s) with ovarian cancer (PMID: 33008098). ClinVar contains an entry for this variant (Variation ID: 52481). Invitae Evidence Modeling incorporating data from in vitro experimental studies (PMID: 33609447) indicates that this missense variant is not expected to disrupt BRCA2 function with a negative predictive value of 95%. Experimental studies have shown that this missense change does not substantially affect BRCA2 function (PMID: 23108138, 29884841, 35736817). In summary, the available evidence is currently insufficient to determine the role of this variant in disease. Therefore, it has been classified as a Variant of Uncertain Significance.

Women's Health and Genetics/Laboratory Corporation of America, LabCorp
Classification: Likely benign. Last evaluated: 2025-07-24. Review status: criteria provided, single submitter. Criteria: LabCorp Variant Classification Summary - May 2015. Collection method: clinical testing. Allele origin: germline.
Comment: Variant summary: BRCA2 c.8036A>G (p.Asp2679Gly) results in a non-conservative amino acid change located in the DNA binding domain (Guidugli_2012) of the encoded protein sequence. Algorithms developed to predict the effect of missense changes on protein structure and function all suggest that this variant is likely to be disruptive. The variant allele was found at a frequency of 2.4e-05 in 251214 control chromosomes, predominantly at a frequency of 0.00014 within the Latino subpopulation in the gnomAD database. The available data on variant occurrences in the general population are insufficient to allow any conclusion about variant significance.c.8036A>G has been reported in the literature as a VUS in individuals affected with breast cancer or ovarian cancer (e.g. Guidugli_2012, Peixoto_2020) . These report(s) do not provide unequivocal conclusions about association of the variant with Hereditary Breast And Ovarian Cancer Syndrome. In vitro functional studies reported that this variant results in activity comparable to wild type in homology-directed DNA repair (HDR) assays (e.g. Guidugli_2012, Guidugli_2018, Richardson_2021), showing no damaging effect of this variant. The following publications have been ascertained in the context of this evaluation (PMID: 24817641, 23108138, 24323938, 29394989, 29884841, 35736817, 19043619, 32850417, 33609447). ClinVar contains an entry for this variant (Variation ID: 52481). Based on the evidence outlined above, the variant was classified as likely benign.

Mendelics
Classification: Likely benign for Breast-ovarian cancer, familial, susceptibility to, 2. Last evaluated: 2025-06-23. Review status: criteria provided, single submitter. Criteria: ACMG Guidelines, 2015. Collection method: clinical testing. Allele origin: unknown.
Comment: This variant is considered likely benign or benign based on one or more of the following: it is predicted to be benign by multiple in silico algorithms, and/or has population frequency not consistent with disease, and/or has normal protein function, and/or has lack of segregation with disease, and/or has been detected in co-occurrence with known pathogenic variant, and/or has lack of disease association in case-control studies, and/or is located in a region inconsistent with a known cause of pathogenicity.

Quest Diagnostics Nichols Institute San Juan Capistrano
Classification: Uncertain significance. Last evaluated: 2024-09-04. Review status: criteria provided, single submitter. Criteria: Quest Diagnostics criteria. Collection method: clinical testing. Allele origin: unknown.
Comment: The BRCA2 c.8036A>G (p.Asp2679Gly) variant has been reported in the published literature in individuals with breast and/or ovarian cancer, as well as a reportedly healthy individual (PMIDs: 33008098 (2020) and 33471991 (2021), see also LOVD). In vitro functional studies have shown that this variant does not substantially affect BRCA2 protein function in homology-directed DNA repair (HDR) assays (PMIDs: 23108138 (2013), 29884841 (2019), and 35736817 (2022)) The frequency of this variant in the general population, 0.00017 (6/35420 chromosomes (Genome Aggregation Database)), is uninformative in the assessment of its pathogenicity. Analysis of this variant using bioinformatics tools for the prediction of the effect of amino acid changes on protein structure and function yielded predictions that this variant is damaging. Based on the available information, we are unable to determine the clinical significance of this variant.

All of Us Research Program, National Institutes of Health
Classification: Uncertain significance for BRCA2-related cancer predisposition. Last evaluated: 2024-05-30. Review status: criteria provided, single submitter. Criteria: ACMG Guidelines, 2015. Collection method: clinical testing. Allele origin: germline. Inheritance: Autosomal dominant inheritance. Observed: 9 variant alleles, 9 heterozygotes.
Comment: This missense variant replaces aspartic acid with glycine at codon 2679 of the BRCA2 protein. Computational prediction suggests that this variant may have deleterious impact on protein structure and function (internally defined REVEL score threshold >= 0.7, PMID: 27666373). Functional studies have shown that this variant does not impact homology-directed DNA repair activity (PMID: 23108138, 29884841, 33609447). This variant has been reported in two individuals affected with breast or ovarian cancer and in an unaffected individual (PMID: 33008098, 33471991; Leiden Open Variation Database DB-ID BRCA2_000266). This variant has been identified in 7/282620 chromosomes in the general population by the Genome Aggregation Database (gnomAD). The available evidence is insufficient to determine the role of this variant in disease conclusively. Therefore, this variant is classified as a Variant of Uncertain Significance.

This study involves interpretation of variants in research participants for the purpose of population health screening. Participant phenotype was not available at the time of variant classification. Additional details can be found in publication PMID: 35346344, PMCID: PMC8962531

Color Diagnostics, LLC DBA Color Health
Classification: Uncertain significance for Hereditary cancer-predisposing syndrome. Last evaluated: 2024-04-24. Review status: criteria provided, single submitter. Criteria: ACMG Guidelines, 2015. Collection method: clinical testing. Allele origin: germline.
Comment: This missense variant replaces aspartic acid with glycine at codon 2679 of the BRCA2 protein. Computational prediction suggests that this variant may have deleterious impact on protein structure and function. Functional studies have shown that this variant does not impact homology-directed DNA repair activity (PMID: 23108138, 29884841, 33609447). This variant has been reported in two individuals affected with breast or ovarian cancer and in an unaffected individual (PMID: 33008098, 33471991; Leiden Open Variation Database DB-ID BRCA2_000266). This variant has been identified in 7/282620 chromosomes in the general population by the Genome Aggregation Database (gnomAD). The available evidence is insufficient to determine the role of this variant in disease conclusively. Therefore, this variant is classified as a Variant of Uncertain Significance.

NM_000059.4(BRCA2):c.8036A>G (p.Asp2679Gly)

Gene: BRCA2 (BRCA2 DNA repair associated; plus strand). Cytogenetic location: 13q13.1.
Variant type: single nucleotide variant.
Coding change: c.8036A>G on transcript NM_000059.4 (MANE Select); coding-DNA position 8036, A replaced by G.
Protein change: p.Asp2679Gly; replaces aspartic acid 2679 with glycine.
Molecular consequence: missense variant.
Genome position (GRCh38, 1-based): chr13:32,363,238, A>G. VCF-style: chr13-32363238-A-G. GRCh37 (hg19) VCF-style: chr13-32937375-A-G.
Other names: short protein forms D2679G.
Identifiers: ClinVar variation 52481 (VCV000052481.38), dbSNP rs80359041, ClinGen allele CA025417.
Genomic context (GRCh38, chr13:32,363,238, plus strand): 5'-GATATGATACGGAAATTGATAGAAGCAGAAGATCGGCTATAAAAAAGATAATGGAAAGGG[A>G]TGACACAGCTGCAAAAACACTTGTTCTCTGTGTTTCTGACATAATTTCATTGAGCGCAAA-3'
Protein context (NP_000050.3, residues 2669-2689): RSAIKKIMER[Asp2679Gly]DTAAKTLVLC